The following is an entry in ClinVar:

ClinVar aggregate classification (germline): Pathogenic; drug response. Review status: reviewed by expert panel (3 of 4 stars). 23 submissions from 21 submitters: Pathogenic (1). 21 of the submissions do not count toward it. Last evaluated 2021-03-24.

Conditions:
CFTR-related disorder (CFTR-RD). Also called: CFTR-related disorders; CFTR-related condition. Identifiers: MedGen C5924204, MONDO:7770004.
Cystic fibrosis (CF). Also called: MUCOVISCIDOSIS. Identifiers: Orphanet 586, MedGen C0010674, MONDO:0009061, OMIM 219700. Disease mechanism: loss of function.
Congenital bilateral aplasia of vas deferens from CFTR mutation (CBAVD). Identifiers: Orphanet 48, MedGen C0403814, MONDO:0010178, OMIM 277180. Disease mechanism: loss of function.
Hereditary pancreatitis (PCTT). Also called: Hereditary chronic pancreatitis; PRSS1-Related Hereditary Pancreatitis. Identifiers: Orphanet 676, MedGen C0238339, MONDO:0008185, OMIM 167800.
Bronchiectasis with or without elevated sweat chloride 1 (BESC1). Also called: Cystic Fibrosis-Like Syndrome. Identifiers: Orphanet 60033, MedGen C2749757, MONDO:0008887, OMIM 211400.
ivacaftor response - Efficacy. Identifiers: MedGen CN322735.

Allele frequency attached by ClinVar (database versions not stated): TOPMed 0.00001; gnomAD exomes 0.00002; ExAC 0.00002.

Submissions 1 to 11 of 23:

ClinPGx
Classification: drug response for ivacaftor response - Efficacy. Last evaluated: 2021-03-24. Review status: reviewed by expert panel. Criteria: Pharmacogenomics knowledge for personalized medicine. Collection method: curation. Allele origin: germline. Affected: yes.
Comment: PharmGKB Level of Evidence 1A: Level 1A clinical annotations describe variant-drug combinations that have variant-specific prescribing guidance available in a current clinical guideline annotation or an FDA-approved drug label annotation. Annotations of drug labels or clinical guidelines must give prescribing guidance for specific variants (e.g. CYP2C9*3, HLA-B*57:01) or provide mapping from defined allele functions to diplotypes and phenotypes to be used as supporting evidence for a level 1A clinical annotation. Level 1A clinical annotations must also be supported by at least one publication in addition to a clinical guideline or drug label with variant-specific prescribing guidance.

Drug is not necessarily used to treat response condition

CFTR2
Classification: Pathogenic for Cystic fibrosis. Last evaluated: 2017-03-17. Review status: reviewed by expert panel. Criteria: Sosnay PR et al. (Nat Genet 2013). Collection method: research. Allele origin: germline. Affected: yes. Study: CFTR2.

Otogenetics
Classification: Pathogenic for Cystic fibrosis; Congenital bilateral aplasia of vas deferens from CFTR mutation. Last evaluated: 2025-12-26. Review status: criteria provided, single submitter. Criteria: ACMG Guidelines, 2015. Collection method: clinical testing. Allele origin: germline. Not counted in ClinVar's aggregate classification.
Comment: PS3_Supporting: Well-established in vitro and in vivo functional studies supportive of damaging effect on the gene product, with low residual enzymatic activity relative to wild-type reported (PMID: 11278813, 23891399); PM2: Maximum gnomAD MAF of 0.0035% in European-Non Finnish (NFE) subpopulation (<0.296% threshold); PM3_VeryStrong: Variant reported in homozygous state in one affected individual and in trans with multiple pathogenic variants in numerous individuals affected with cystic fibrosis and CF-related disorders (PMID: 15070876, 17329263, 22724884, 25910067, 31672438); PM5: Pathogenic missense amino acid changes occur in same position: c.330C>G;p.Asp110Glu, c.330C>A;p.Asp110Glu (PMID: 10790222); PP3: In-silico models predict deleterious effect (Revel = 0.93, BayesDel = 0.52)

3billion
Classification: Pathogenic for Cystic fibrosis. Last evaluated: 2025-11-29. Review status: criteria provided, single submitter. Criteria: ACMG Guidelines, 2015. Collection method: clinical testing. Allele origin: germline. Affected: yes. Not counted in ClinVar's aggregate classification.
Comment: The variant is observed at an extremely low frequency in the gnomAD v4.1.0 dataset (total allele frequency: 0.002%). Predicted Consequence/Location: Missense variant In silico tool predictions suggest damaging effect of the variant on gene or gene product [REVEL: 0.93 (>=0.6, sensitivity 0.68 and specificity 0.92); 3Cnet: 0.89 (> 0.75, sensitivity 0.96 and precision 0.92)]. The same nucleotide change resulting in the same amino acid change has been previously reported as pathogenic/likely pathogenic with strong evidence (ClinVar ID: VCV000007108 /PMID: 2344617). Different missense changes at the same codon (p.Asp110Asn, p.Asp110Glu, p.Asp110Tyr, p.Asp110Val) have been reported as pathogenic/likely pathogenic with strong evidence (ClinVar ID: VCV000053705, VCV000053714, VCV000553436, VCV001729921, VCV003019253 /PMID: 10875853, 11883825). Therefore, this variant is classified as Pathogenic according to the recommendation of ACMG/AMP guideline.

Labcorp Genetics (formerly Invitae), Labcorp
Classification: Pathogenic for Cystic fibrosis. Last evaluated: 2025-09-03. Review status: criteria provided, single submitter. Criteria: Invitae Variant Classification Sherloc (09022015). Collection method: clinical testing. Allele origin: germline. Not counted in ClinVar's aggregate classification.
Comment: This sequence change replaces aspartic acid, which is acidic and polar, with histidine, which is basic and polar, at codon 110 of the CFTR protein (p.Asp110His). This variant is present in population databases (rs113993958, gnomAD 0.004%). This missense change has been observed in individual(s) with cystic fibrosis (PMID: 2344617, 9272157, 18373402, 19897426, 20059485, 20949073, 22724884, 23974870). In at least one individual the data is consistent with being in trans (on the opposite chromosome) from a pathogenic variant. ClinVar contains an entry for this variant (Variation ID: 7108). Invitae Evidence Modeling of protein sequence and biophysical properties (such as structural, functional, and spatial information, amino acid conservation, physicochemical variation, residue mobility, and thermodynamic stability) indicates that this missense variant is expected to disrupt CFTR protein function with a positive predictive value of 80%. Experimental studies have shown that this missense change affects CFTR function (PMID: 11278813, 23891399). For these reasons, this variant has been classified as Pathogenic.

Natera, Inc.
Classification: Pathogenic for CFTR-related disorders. Last evaluated: 2025-08-21. Review status: criteria provided, single submitter. Criteria: Natera Variant Classification Schema (03/2026). Collection method: clinical testing. Allele origin: germline. Not counted in ClinVar's aggregate classification.
Comment: The c.328G>C variant in CFTR is a missense variant predicted to cause substitution of aspartic acid to histidine at amino acid 110. This variant is rare in the general population with a frequency below the threshold expected for the associated phenotype(s). This variant has been observed in one or more individuals affected with the associated recessive disease, as either homozygous or compound heterozygous with a second variant (PMID: 29850441, 12167682, 36319933, 4814176). Given the available evidence, this variant is classified as Pathogenic.

Fulgent Genetics
Classification: Pathogenic for Hereditary pancreatitis; Bronchiectasis with or without elevated sweat chloride 1; Cystic fibrosis; Congenital bilateral aplasia of vas deferens from CFTR mutation. Last evaluated: 2024-05-13. Review status: criteria provided, single submitter. Criteria: ACMG Guidelines, 2015. Collection method: clinical testing. Allele origin: germline. Not counted in ClinVar's aggregate classification.

Baylor Genetics
Classification: Pathogenic for Bronchiectasis with or without elevated sweat chloride 1. Last evaluated: 2024-03-22. Review status: criteria provided, single submitter. Criteria: ACMG Guidelines, 2015. Collection method: clinical testing. Allele origin: unknown. Not counted in ClinVar's aggregate classification.

Institute of Human Genetics, University of Leipzig Medical Center
Classification: Pathogenic for Cystic fibrosis. Last evaluated: 2023-10-02. Review status: criteria provided, single submitter. Criteria: ACMG Guidelines, 2015. Collection method: clinical testing. Allele origin: inherited. Inheritance: Autosomal recessive inheritance. Affected: yes. Not counted in ClinVar's aggregate classification.
Comment: Criteria applied: PM5_STR,PS3_MOD,PM1,PM3,PM2_SUP,PP3

Blueprint Genetics
Classification: Pathogenic for CFTR-related disorders. Last evaluated: 2023-05-05. Review status: criteria provided, single submitter. Criteria: ACMG Guidelines, 2015. Collection method: clinical testing. Allele origin: germline. Affected: yes. Observed: 5 variant alleles. Not counted in ClinVar's aggregate classification.

Ambry Genetics
Classification: Pathogenic for Cystic fibrosis. Last evaluated: 2023-04-27. Review status: criteria provided, single submitter. Criteria: Ambry Variant Classification Scheme 2023. Collection method: clinical testing. Allele origin: germline. Not counted in ClinVar's aggregate classification.
Comment: The p.D110H pathogenic mutation (also known as c.328G>C), located in coding exon 4 of the CFTR gene, results from a G to C substitution at nucleotide position 328. The aspartic acid at codon 110 is replaced by histidine, an amino acid with similar properties. This mutation was first described in a child with elevated sweat chloride levels and p.F508del confirmed in trans (Dean M et al. Cell, 1990 Jun;61:863-70). Functional data showed a reduced level of CFTR protein and 9% chloride activity compared to wild type (Van Goor F et al. J. Cyst. Fibros., 2014 Jan;13:29-36). Another study suggested that this mutation disrupts the chloride channel activity by destabilizing the open state of the CFTR protein (H&auml;mmerle MM et al. J. Biol. Chem., 2001 May;276:14848-54). In addition, this mutation is associated with pancreatic sufficiency (Sosnay PR et al. Nat. Genet., 2013 Oct;45:1160-7). An alteration at the same amino acid position, p.D110E, was also described in a child with elevated sweat chloride levels and pancreatic sufficiency (Padoan R et al. Hum. Mutat., 2000 May;15:485). This amino acid position is highly conserved in available vertebrate species. In addition, this alteration is predicted to be deleterious by in silico analysis. Based on the supporting evidence, this alteration is interpreted as a disease-causing mutation.

NM_000492.4(CFTR):c.328G>C (p.Asp110His)

Gene: CFTR (CF transmembrane conductance regulator; plus strand). Cytogenetic location: 7q31.2.
Variant type: single nucleotide variant.
Coding change: c.328G>C on transcript NM_000492.4 (MANE Select); coding-DNA position 328, G replaced by C.
Protein change: p.Asp110His; replaces aspartic acid 110 with histidine.
Molecular consequence: missense variant.
Genome position (GRCh38, 1-based): chr7:117,530,953, G>C. VCF-style: chr7-117530953-G-C. GRCh37 (hg19) VCF-style: chr7-117171007-G-C.
Other names: short protein forms D110H.
Identifiers: ClinVar variation 7108 (VCV000007108.37), dbSNP rs113993958, ClinGen allele CA284835.